The following is an entry in ClinVar:

ClinVar aggregate classification (germline): Uncertain significance (1 of 4 stars; one submission).

gnomAD v4.1: 1 of 1,600,618 alleles (0.000062%); highest among the groups gnomAD compares: Non-Finnish European, 0.000085%; no homozygotes.

Submission:

Labcorp Genetics (formerly Invitae), Labcorp
Classification: Uncertain significance. Last evaluated: 2025-11-27. Review status: criteria provided, single submitter. Criteria: Invitae Variant Classification Sherloc (09022015). Collection method: clinical testing. Allele origin: germline.
Comment: This sequence change affects codon 253 of the SLC18A3 mRNA. It is a 'silent' change, meaning that it does not change the encoded amino acid sequence of the SLC18A3 protein. This variant is not present in population databases (gnomAD no frequency). This variant has not been reported in the literature in individuals affected with SLC18A3-related conditions. In summary, the available evidence is currently insufficient to determine the role of this variant in disease. Therefore, it has been classified as a Variant of Uncertain Significance.

NM_003055.3(SLC18A3):c.759C>G (p.Leu253=)

Genes: CHAT (choline O-acetyltransferase; plus strand), SLC18A3 (solute carrier family 18 member A3; plus strand). Cytogenetic location: 10q11.23.
Variant type: single nucleotide variant.
Coding change: c.759C>G on transcript NM_003055.3 (MANE Select); coding-DNA position 759, C replaced by G.
Protein change: p.Leu253=; no amino-acid change (leucine 253 retained).
Molecular consequence: synonymous variant. On other transcripts: intron variant (1).
Genome position (GRCh38, 1-based): chr10:49,611,499, C>G. VCF-style: chr10-49611499-C-G. GRCh37 (hg19) VCF-style: chr10-50819545-C-G.
Other names: c.-69+2300C>G (NM_020984.4).
Identifiers: ClinVar variation 4730940 (VCV004730940.1).